The following is an entry in ClinVar:

NM_000202.8(IDS):c.470dup (p.Tyr158fs)

Genes: IDS (iduronate 2-sulfatase; minus strand), LOC106050102 (IDS recombination region; plus strand). Cytogenetic location: Xq28.
Variant type: Duplication.
Coding change: c.470dup on transcript NM_000202.8 (MANE Select); coding-DNA position 470, one base duplicated (C; older notation c.470dupC).
Protein change: p.Tyr158fs; shifts the reading frame from tyrosine 158.
Molecular consequence: frameshift variant. On other transcripts: non-coding transcript variant (1).
Genome position (GRCh38, 1-based): chrX:149,500,986, G duplicated on the plus strand (C on the coding strand, the reverse complement: IDS is on the minus strand); the first of 2 consecutive G bases (chrX:149,500,986-149,500,987); duplicating either gives the same sequence. VCF-style (leftmost placement, unchanged base first): chrX-149500985-A-AG. GRCh37 (hg19) VCF-style: chrX-148582516-A-AG.
Other names: c.200dup, p.Tyr68fs (NM_001166550.4); c.470dup, p.Tyr158fs (NM_006123.5); short protein forms Y158fs, Y68fs.
Identifiers: ClinVar variation 3255747 (VCV003255747.2).

ClinVar aggregate classification (germline): Pathogenic (1 of 4 stars; one submission).

Conditions:
Mucopolysaccharidosis, MPS-II (MPS2). Also called: Hunter Syndrome; IDURONATE 2-SULFATASE DEFICIENCY; Mucopolysaccharidosis Type II; Mucopolysaccharidosis type 2; Attenuated MPS (subtype; formerly known as mild MPS II); Severe MPS II. Identifiers: Orphanet 580, Orphanet 79388, MedGen C0026705, MONDO:0010674, OMIM 309900.

Submission:

Laboratory of Diagnosis and Therapy of Lysosomal Disorders, University of Padova
Classification: Pathogenic for Mucopolysaccharidosis, MPS-II. Last evaluated: 2024-06-07. Review status: criteria provided, single submitter. Criteria: ACMG Guidelines, 2015. Collection method: literature only. Allele origin: germline. Affected: yes. Observed: 1 variant allele.
Comment: Null variant (PVS1_VeryStrong), Absent from controls (or at low frequency) in gnomAD database (PM2_Moderate), Patient’s phenotype or family history highly specific for the disease (PP4_Strong)

Classification method: ACMG Guidelines [PMID:25741868] with modifications

Literature cited by the submitters: PubMed 30639582.